The following is an entry in ClinVar:

NM_138295.5(PKD1L1):c.5158C>T (p.His1720Tyr)

Gene: PKD1L1 (polycystin 1 like 1, transient receptor potential channel interacting; minus strand). Cytogenetic location: 7p12.3.
Variant type: single nucleotide variant.
Coding change: c.5158C>T on transcript NM_138295.5 (MANE Select); coding-DNA position 5158, C replaced by T.
Protein change: p.His1720Tyr; replaces histidine 1720 with tyrosine.
Molecular consequence: missense variant.
Genome position (GRCh38, 1-based): chr7:47,845,074, G>A on the plus strand (C>T on the coding strand, the complement: PKD1L1 is on the minus strand). VCF-style: chr7-47845074-G-A. GRCh37 (hg19) VCF-style: chr7-47884672-G-A.
Other names: short protein forms H1720Y.
Identifiers: ClinVar variation 1027702 (VCV001027702.2), dbSNP rs145499325, ClinGen allele CA4252917.

ClinVar aggregate classification (germline): Uncertain significance. Review status: criteria provided, multiple submitters, no conflicts (2 of 4 stars). 2 submissions from 2 submitters: Uncertain significance (2). Last evaluated 2025-10-17.

Conditions:
Heterotaxy, visceral, 8, autosomal (HTX8). Identifiers: MedGen C4310668, MONDO:0014967, OMIM 617205.
Inborn genetic diseases. Identifiers: MedGen C0950123, MeSH D030342.

Allele frequency attached by ClinVar (database versions not stated): ExAC 0.00003; gnomAD 0.00009; gnomAD exomes 0.00001 and 0.00003; TOPMed 0.00008; ESP Exome Variant Server 0.00015.
gnomAD v4.1: 35 of 1,613,308 alleles (0.0022%); highest among the groups gnomAD compares: African/African-American, 0.044%; no homozygotes.

Submissions (2):

Ambry Genetics
Classification: Uncertain significance for Inborn genetic diseases. Last evaluated: 2025-10-17. Review status: criteria provided, single submitter. Criteria: Ambry Variant Classification Scheme 2023. Collection method: clinical testing. Allele origin: germline.

Baylor Genetics
Classification: Uncertain significance for Heterotaxy, visceral, 8, autosomal. Last evaluated: 2020-11-10. Review status: criteria provided, single submitter. Criteria: ACMG Guidelines, 2015. Collection method: clinical testing. Allele origin: unknown. Affected: yes.
Comment: This variant was determined to be of uncertain significance according to ACMG Guidelines, 2015 [PMID:25741868].